The following is an entry in ClinVar:

ClinVar aggregate classification (germline): Uncertain significance (1 of 4 stars; one submission).

Conditions:
Hereditary cancer-predisposing syndrome. Also called: Neoplastic Syndromes, Hereditary; Tumor predisposition; Hereditary Cancer Syndrome; Hereditary neoplastic syndrome. Identifiers: Orphanet 140162, MedGen C0027672, MeSH D009386, MONDO:0015356.

Submission:

Ambry Genetics
Classification: Uncertain significance for Hereditary cancer-predisposing syndrome. Last evaluated: 2026-05-27. Review status: criteria provided, single submitter. Criteria: Ambry Variant Classification Scheme 2023. Collection method: clinical testing. Allele origin: germline.
Comment: The p.N7I variant (also known as c.20A>T), located in coding exon 1 of the BLM gene, results from an A to T substitution at nucleotide position 20. The asparagine at codon 7 is replaced by isoleucine, an amino acid with dissimilar properties. This amino acid position is conserved. In addition, the in silico prediction for this alteration is inconclusive. Based on the available evidence, the clinical significance of this variant remains unclear.

NM_000057.4(BLM):c.20A>T (p.Asn7Ile)

Gene: BLM (BLM RecQ like helicase; plus strand). Cytogenetic location: 15q26.1.
Variant type: single nucleotide variant.
Coding change: c.20A>T on transcript NM_000057.4 (MANE Select); coding-DNA position 20, A replaced by T.
Protein change: p.Asn7Ile; replaces asparagine 7 with isoleucine.
Molecular consequence: missense variant. On other transcripts: 5 prime UTR variant (1).
Genome position (GRCh38, 1-based): chr15:90,747,412, A>T. VCF-style: chr15-90747412-A-T. GRCh37 (hg19) VCF-style: chr15-91290642-A-T.
Other names: c.20A>T, p.Asn7Ile (NM_001287246.2, NM_001287247.2); c.-1272A>T (NM_001287248.2); short protein forms N7I.
Identifiers: ClinVar variation 4867521 (VCV004867521.1).